The following is an entry in ClinVar:

ClinVar aggregate classification (germline): Pathogenic (1 of 4 stars; one submission).

Conditions:
Walker-Warburg congenital muscular dystrophy. Also called: Muscular dystrophy-dystroglycanopathy, type A; Walker-Warburg syndrome. Identifiers: Orphanet 899, MedGen C0265221, MONDO:0000171.

Allele frequency attached by ClinVar (database versions not stated): gnomAD exomes below 0.00001.

Submission:

Labcorp Genetics (formerly Invitae), Labcorp
Classification: Pathogenic for Walker-Warburg congenital muscular dystrophy. Last evaluated: 2026-01-14. Review status: criteria provided, single submitter. Criteria: Invitae Variant Classification Sherloc (09022015). Collection method: clinical testing. Allele origin: germline.
Comment: This sequence change affects the initiator codon of the FKRP mRNA. This change may impact translation initiation or efficiency. The next in-frame methionine is located at codon 144. This variant is not present in population databases (gnomAD no frequency). Disruption of the initiator codon has been observed in individuals with Walker-Warburg syndrome or limb-girdle muscular dystrophy (PMID: 12666124, 20236121). It has also been observed to segregate with disease in related individuals. ClinVar contains an entry for this variant (Variation ID: 1072163). This variant disrupts the p.Pro89 amino acid residue in FKRP. Other variant(s) that disrupt this residue have been determined to be pathogenic (PMID: 16368217, 17446099, 18639457, 18691338). This suggests that this residue is clinically significant, and that variants that disrupt this residue are likely to be disease-causing. For these reasons, this variant has been classified as Pathogenic.

Literature cited by the submitters: PubMed 12666124; PubMed 20236121; PubMed 16368217; PubMed 17446099; PubMed 18639457; PubMed 18691338.

NM_024301.5(FKRP):c.1A>C (p.Met1Leu)

Gene: FKRP (fukutin related protein; plus strand). Cytogenetic location: 19q13.32.
Variant type: single nucleotide variant.
Coding change: c.1A>C on transcript NM_024301.5 (MANE Select); coding-DNA position 1, A replaced by C.
Protein change: p.Met1Leu; changes the start codon (methionine 1).
Molecular consequence: missense variant, initiator codon variant.
Genome position (GRCh38, 1-based): chr19:46,755,451, A>C. VCF-style: chr19-46755451-A-C. GRCh37 (hg19) VCF-style: chr19-47258708-A-C.
Other names: c.1A>C, p.Met1Leu (NM_001039885.3); short protein forms M1L.
Identifiers: ClinVar variation 1072163 (VCV001072163.9), dbSNP rs587777223, ClinGen allele CA406494470.
Genomic context (GRCh38, chr19:46,755,451, plus strand): 5'-CCTTTCGTCCCCCTCCCCCAGGATGCCCCGGAGGCCCAGCTAGCCCCAGACTTCGGCCCC[A>C]TGCGGCTCACCCGCTGCCAGGCTGCCCTGGCGGCCGCCATCACCCTCAACCTTCTGGTCC-3'
Protein context (NP_077277.1, residues 1-11): [Met1Leu]RLTRCQAALA